The following is an entry in ClinVar:

ClinVar aggregate classification (germline): Conflicting classifications of pathogenicity. Review status: criteria provided, conflicting classifications (1 of 4 stars). 4 submissions from 4 submitters: Pathogenic (2); Likely pathogenic (1); Uncertain significance (1). Last evaluated 2025-06-13.

Conditions:
Congenital heart defects and ectodermal dysplasia (CHDED). Identifiers: MedGen C4479250, MONDO:0044303, OMIM 617364.

Allele frequency attached by ClinVar (database versions not stated): ExAC 0.00001.

Submissions (4):

Labcorp Genetics (formerly Invitae), Labcorp
Classification: Pathogenic. Last evaluated: 2025-06-13. Review status: criteria provided, single submitter. Criteria: Invitae Variant Classification Sherloc (09022015). Collection method: clinical testing. Allele origin: germline.
Comment: This sequence change replaces arginine, which is basic and polar, with histidine, which is basic and polar, at codon 603 of the PRKD1 protein (p.Arg603His). This variant is not present in population databases (gnomAD no frequency). This missense change has been observed in individual(s) with PRKD1-related conditions (PMID: 32817298; internal data). In at least one individual the variant was observed to be de novo. ClinVar contains an entry for this variant (Variation ID: 1934696). Invitae Evidence Modeling of protein sequence and biophysical properties (such as structural, functional, and spatial information, amino acid conservation, physicochemical variation, residue mobility, and thermodynamic stability) has been performed for this missense variant. However, the output from this modeling did not meet the statistical confidence thresholds required to predict the impact of this variant on PRKD1 protein function. Experimental studies have shown that this missense change affects PRKD1 function (PMID: 32817298). For these reasons, this variant has been classified as Pathogenic.

CeGaT Center for Human Genetics Tuebingen
Classification: Pathogenic. Last evaluated: 2025-05-01. Review status: criteria provided, single submitter. Criteria: CeGaT Center For Human Genetics Tuebingen Variant Classification Criteria Version 2. Collection method: clinical testing. Allele origin: germline. Affected: yes. Observed: 1 variant allele.
Comment: PRKD1: PS2, PM2, PM5, PS4:Moderate, PS3:Supporting

Clinical Genetics Laboratory, Region Ostergotland
Classification: Likely pathogenic for Congenital heart defects and ectodermal dysplasia. Last evaluated: 2025-02-28. Review status: criteria provided, single submitter. Criteria: ACMG Guidelines, 2015. Collection method: clinical testing. Allele origin: germline. Affected: yes.
Comment: The variant NM_002742.3:c.1808G>A is not found in population database (no frequency gnomAD). The variant is expected to lead to gain of function and gain of function variants in this gene have been reported disease causing (PMID:38677542). The following ACMG/AMP criteria were applied in classifying this variant: PM1, PM2, PP4, PS2_moderate, PS3_supporting

Revvity Omics, Revvity
Classification: Uncertain significance for Congenital heart defects and ectodermal dysplasia. Last evaluated: 2019-12-28. Review status: criteria provided, single submitter. Criteria: ACMG Guidelines, 2015. Collection method: clinical testing. Allele origin: germline.

Literature cited by the submitters: PubMed 32817298 (cited by Labcorp Genetics (formerly Invitae), Labcorp and Clinical Genetics Laboratory, Region Ostergotland); PubMed 38677542 (cited by Clinical Genetics Laboratory, Region Ostergotland); PubMed 22582392 (cited by Clinical Genetics Laboratory, Region Ostergotland); PubMed 34531296 (cited by Clinical Genetics Laboratory, Region Ostergotland); PubMed 33807058 (cited by Clinical Genetics Laboratory, Region Ostergotland).

NM_002742.3(PRKD1):c.1808G>A (p.Arg603His)

Gene: PRKD1 (protein kinase D1; minus strand). Cytogenetic location: 14q12.
Variant type: single nucleotide variant.
Coding change: c.1808G>A on transcript NM_002742.3 (MANE Select); coding-DNA position 1808, G replaced by A.
Protein change: p.Arg603His; replaces arginine 603 with histidine.
Molecular consequence: missense variant.
Genome position (GRCh38, 1-based): chr14:29,624,249, C>T on the plus strand (G>A on the coding strand, the complement: PRKD1 is on the minus strand). VCF-style: chr14-29624249-C-T. GRCh37 (hg19) VCF-style: chr14-30093455-C-T.
Other names: c.1808G>A (NM_002742.2); c.1832G>A, p.Arg611His (NM_001330069.2); c.1544G>A, p.Arg515His (NM_001348390.1); short protein forms R515H, R603H, R611H.
Identifiers: ClinVar variation 1934696 (VCV001934696.18), dbSNP rs776034417, ClinGen allele CA7141037.